The following is an entry in ClinVar:

ClinVar aggregate classification (germline): Uncertain significance (1 of 4 stars; one submission).

Conditions:
Werner syndrome (WRN). Identifiers: Orphanet 902, MedGen C0043119, MONDO:0010196, OMIM 277700.

Submission:

Labcorp Genetics (formerly Invitae), Labcorp
Classification: Uncertain significance for Werner syndrome. Last evaluated: 2022-04-17. Review status: criteria provided, single submitter. Criteria: Invitae Variant Classification Sherloc (09022015). Collection method: clinical testing. Allele origin: germline.
Comment: In summary, the available evidence is currently insufficient to determine the role of this variant in disease. Therefore, it has been classified as a Variant of Uncertain Significance. Algorithms developed to predict the effect of sequence changes on RNA splicing suggest that this variant may disrupt the consensus splice site. Algorithms developed to predict the effect of missense changes on protein structure and function are either unavailable or do not agree on the potential impact of this missense change (SIFT: "Not Available"; PolyPhen-2: "Benign"; Align-GVGD: "Not Available"). This variant has not been reported in the literature in individuals affected with WRN-related conditions. This variant is not present in population databases (gnomAD no frequency). This sequence change replaces aspartic acid, which is acidic and polar, with asparagine, which is neutral and polar, at codon 1116 of the WRN protein (p.Asp1116Asn).

NM_000553.6(WRN):c.3346G>A (p.Asp1116Asn)

Gene: WRN (WRN RecQ like helicase; plus strand). Cytogenetic location: 8p12.
Variant type: single nucleotide variant.
Coding change: c.3346G>A on transcript NM_000553.6 (MANE Select); coding-DNA position 3346, G replaced by A.
Protein change: p.Asp1116Asn; replaces aspartic acid 1116 with asparagine.
Molecular consequence: missense variant.
Genome position (GRCh38, 1-based): chr8:31,143,586, G>A. VCF-style: chr8-31143586-G-A. GRCh37 (hg19) VCF-style: chr8-31001102-G-A.
Other names: short protein forms D1116N.
Identifiers: ClinVar variation 1975502 (VCV001975502.5), dbSNP rs2536035734, ClinGen allele CA370924089.